The following is an entry in ClinVar:

NM_000374.5(UROD):c.*3G>A

Gene: UROD (uroporphyrinogen decarboxylase; plus strand). Cytogenetic location: 1p34.1.
Variant type: single nucleotide variant.
Coding change: c.*3G>A on transcript NM_000374.5 (MANE Select); 3 bases downstream of the stop codon, G replaced by A.
Molecular consequence: 3 prime UTR variant. On other transcripts: non-coding transcript variant (3).
Genome position (GRCh38, 1-based): chr1:45,015,501, G>A. VCF-style: chr1-45015501-G-A. GRCh37 (hg19) VCF-style: chr1-45481173-G-A.
Identifiers: ClinVar variation 255960 (VCV000255960.21), dbSNP rs74349352, ClinGen allele CA825427.

ClinVar aggregate classification (germline): Benign/Likely benign. Review status: criteria provided, multiple submitters, no conflicts (2 of 4 stars). 6 submissions from 6 submitters: Benign (2); Likely benign (4). Last evaluated 2026-04-01.

Conditions:
Familial porphyria cutanea tarda (PCT). Also called: PCT, TYPE II; PORPHYRIA CUTANEA TARDA, TYPE II; PORPHYRIA, HEPATOCUTANEOUS TYPE; UROD DEFICIENCY; UROPORPHYRINOGEN DECARBOXYLASE DEFICIENCY; PCT, ''FAMILIAL'' TYPE. Identifiers: Orphanet 101330, Orphanet 443062, MedGen C0268323, MONDO:0008296, OMIM 176100.

Allele frequency attached by ClinVar (database versions not stated): 1000 Genomes Project 0.00399; 1000 Genomes Project 30x 0.00406; ESP Exome Variant Server 0.00753; TOPMed 0.00852; gnomAD 0.00873 and 0.00902; gnomAD exomes 0.00972 and 0.01154; ExAC 0.01011.

Submissions (6):

CeGaT Center for Human Genetics Tuebingen
Classification: Benign. Last evaluated: 2026-04-01. Review status: criteria provided, single submitter. Criteria: CeGaT Center For Human Genetics Tuebingen Variant Classification Criteria Version 2. Collection method: clinical testing. Allele origin: germline. Affected: yes. Observed: 1 variant allele.
Comment: UROD: BS1, BS2

Labcorp Genetics (formerly Invitae), Labcorp
Classification: Benign. Last evaluated: 2026-01-26. Review status: criteria provided, single submitter. Criteria: Invitae Variant Classification Sherloc (09022015). Collection method: clinical testing. Allele origin: germline.

Mayo Clinic Laboratories, Mayo Clinic
Classification: Likely benign. Last evaluated: 2025-02-10. Review status: criteria provided, single submitter. Criteria: ACMG Guidelines, 2015. Collection method: clinical testing. Allele origin: germline. Observed: 16 variant alleles.
Comment: BS1, BP2, BP4

Illumina Laboratory Services, Illumina
Classification: Likely benign for Familial porphyria cutanea tarda. Last evaluated: 2018-03-06. Review status: criteria provided, single submitter. Criteria: ICSL Variant Classification Criteria 13 December 2019. Collection method: clinical testing. Allele origin: germline.
Comment: This variant was observed in the ICSL laboratory as part of a predisposition screen in an ostensibly healthy population. It had not been previously curated by ICSL or reported in the Human Gene Mutation Database (HGMD: prior to June 1st, 2018), and was therefore a candidate for classification through an automated scoring system. Utilizing variant allele frequency, disease prevalence and penetrance estimates, and inheritance mode, an automated score was calculated to assess if this variant is too frequent to cause the disease. Based on the score and internal cut-off values, a variant classified as likely benign is not then subjected to further curation. The score for this variant resulted in a classification of likely benign for this disease.

Breakthrough Genomics
Classification: Likely benign. Review status: criteria provided, single submitter. Criteria: ACMG Guidelines, 2015. Collection method: not provided. Allele origin: germline. Inheritance: Autosomal dominant inheritance. Affected: yes.

PreventionGenetics, part of Exact Sciences
Classification: Likely benign. Review status: criteria provided, single submitter. Criteria: ACMG Guidelines, 2015. Collection method: clinical testing. Allele origin: germline.

Literature cited by the submitters: PubMed 11295834 (cited by Mayo Clinic Laboratories, Mayo Clinic); PubMed 19233912 (cited by Mayo Clinic Laboratories, Mayo Clinic).